The following is an entry in ClinVar:

NM_025132.4(WDR19):c.2236C>T (p.Pro746Ser)

Gene: WDR19 (WD repeat domain 19; plus strand). Cytogenetic location: 4p14.
Variant type: single nucleotide variant.
Coding change: c.2236C>T on transcript NM_025132.4 (MANE Select); coding-DNA position 2236, C replaced by T.
Protein change: p.Pro746Ser; replaces proline 746 with serine.
Molecular consequence: missense variant.
Genome position (GRCh38, 1-based): chr4:39,232,255, C>T. VCF-style: chr4-39232255-C-T. GRCh37 (hg19) VCF-style: chr4-39233875-C-T.
Other names: c.1756C>T, p.Pro586Ser (NM_001317924.2); short protein forms P586S, P746S.
Identifiers: ClinVar variation 1513772 (VCV001513772.6), dbSNP rs372232320, ClinGen allele CA95676531.

ClinVar aggregate classification (germline): Uncertain significance (1 of 4 stars; one submission).

Conditions:
Senior-Loken syndrome 8 (SLSN8). Identifiers: Orphanet 3156, MedGen C4225376, MONDO:0014579, OMIM 616307.
Asphyxiating thoracic dystrophy 5 (SRTD5). Also called: SHORT-RIB THORACIC DYSPLASIA 5 WITH OR WITHOUT POLYDACTYLY; SHORT-RIB THORACIC DYSPLASIA 5 WITHOUT POLYDACTYLY. Identifiers: Orphanet 474, MedGen C3280598, MONDO:0013717, OMIM 614376.

Allele frequency attached by ClinVar (database versions not stated): gnomAD exomes 0.00001; TOPMed 0.00001; ESP Exome Variant Server 0.00008.
gnomAD v4.1: 3 of 1,608,730 alleles (0.00019%); highest among the groups gnomAD compares: Non-Finnish European, 0.00025%; no homozygotes.

Submission:

Labcorp Genetics (formerly Invitae), Labcorp
Classification: Uncertain significance for Senior-Loken syndrome 8; Asphyxiating thoracic dystrophy 5. Last evaluated: 2021-08-18. Review status: criteria provided, single submitter. Criteria: Invitae Variant Classification Sherloc (09022015). Collection method: clinical testing. Allele origin: germline.
Comment: In summary, the available evidence is currently insufficient to determine the role of this variant in disease. Therefore, it has been classified as a Variant of Uncertain Significance. Algorithms developed to predict the effect of missense changes on protein structure and function are either unavailable or do not agree on the potential impact of this missense change (SIFT: "Tolerated"; PolyPhen-2: "Probably Damaging"; Align-GVGD: "Class C15"). This variant has not been reported in the literature in individuals affected with WDR19-related conditions. This variant is not present in population databases (ExAC no frequency). This sequence change replaces proline with serine at codon 746 of the WDR19 protein (p.Pro746Ser). The proline residue is highly conserved and there is a moderate physicochemical difference between proline and serine.